The following is an entry in ClinVar:

NM_000059.4(BRCA2):c.2732A>G (p.Glu911Gly)

Gene: BRCA2 (BRCA2 DNA repair associated; plus strand). Cytogenetic location: 13q13.1.
Variant type: single nucleotide variant.
Coding change: c.2732A>G on transcript NM_000059.4 (MANE Select); coding-DNA position 2732, A replaced by G.
Protein change: p.Glu911Gly; replaces glutamic acid 911 with glycine.
Molecular consequence: missense variant. On other transcripts: non-coding transcript variant (1), intron variant (2).
Genome position (GRCh38, 1-based): chr13:32,337,087, A>G. VCF-style: chr13-32337087-A-G. GRCh37 (hg19) VCF-style: chr13-32911224-A-G.
Other names: c.2732A>G, p.Glu911Gly (NM_001406720.1, NM_001406719.1); c.1909+3700A>G (NM_001406721.1); c.424+6057A>G (NM_001406722.1); short protein forms E911G.
Identifiers: ClinVar variation 3072760 (VCV003072760.1), dbSNP rs2137489318, ClinGen allele CA387773602.

ClinVar aggregate classification (germline): Uncertain significance (1 of 4 stars; one submission).

Conditions:
Breast-ovarian cancer, familial, susceptibility to, 2 (BROVCA2). Also called: BRCA2 Hereditary Breast and Ovarian Cancer. Identifiers: Orphanet 145, MedGen C2675520, MONDO:0012933, OMIM 612555. Disease mechanism: loss of function.

Submission:

All of Us Research Program, National Institutes of Health
Classification: Uncertain significance for Breast-ovarian cancer, familial, susceptibility to, 2. Last evaluated: 2023-08-15. Review status: criteria provided, single submitter. Criteria: ACMG Guidelines, 2015. Collection method: clinical testing. Allele origin: germline. Inheritance: Autosomal dominant inheritance. Observed: 1 variant allele, 1 heterozygote.
Comment: This study involves interpretation of variants in research participants for the purpose of population health screening. Participant phenotype was not available at the time of variant classification. Additional details can be found in publication PMID: 35346344, PMCID: PMC8962531